The following is an entry in ClinVar:

NM_000240.4(MAOA):c.100G>C (p.Glu34Gln)

Gene: MAOA (monoamine oxidase A; plus strand). Cytogenetic location: Xp11.3.
Variant type: single nucleotide variant.
Coding change: c.100G>C on transcript NM_000240.4 (MANE Select); coding-DNA position 100, G replaced by C.
Protein change: p.Glu34Gln; replaces glutamic acid 34 with glutamine.
Molecular consequence: missense variant. On other transcripts: 5 prime UTR variant (1).
Genome position (GRCh38, 1-based): chrX:43,683,539, G>C. VCF-style: chrX-43683539-G-C. GRCh37 (hg19) VCF-style: chrX-43542787-G-C.
Other names: c.-300G>C (NM_001270458.2); short protein forms E34Q.
Identifiers: ClinVar variation 3776605 (VCV003776605.1).
Genomic context (GRCh38, chrX:43,683,539, plus strand): 5'-AATGTTACGTTGCTCTTTTTTGTTTTTCCTTTAGGACTATCTGCTGCCAAACTCTTGACT[G>C]AATATGGCGTTAGTGTTTTGGTTTTAGAAGCTCGGGACAGGGTTGGAGGAAGAACATATA-3'
Protein context (NP_000231.1, residues 24-44): SGLSAAKLLT[Glu34Gln]YGVSVLVLEA

ClinVar aggregate classification (germline): Uncertain significance (1 of 4 stars; one submission).

Submission:

GeneDx
Classification: Uncertain significance. Last evaluated: 2024-10-02. Review status: criteria provided, single submitter. Criteria: GeneDx Variant Classification Process June 2021. Collection method: clinical testing. Allele origin: germline. Affected: yes.
Comment: Not observed at significant frequency in large population cohorts (gnomAD); In silico analysis indicates that this missense variant does not alter protein structure/function; Has not been previously published as pathogenic or benign to our knowledge